The following is an entry in ClinVar:

NM_001166114.2(PNPLA6):c.2184+1G>A

Gene: PNPLA6 (patatin like domain 6, lysophospholipase; plus strand). Cytogenetic location: 19p13.2.
Variant type: single nucleotide variant.
Coding change: c.2184+1G>A on transcript NM_001166114.2 (MANE Select); the canonical splice donor site of the intron after coding-DNA position 2184, G replaced by A.
Molecular consequence: splice donor variant.
Genome position (GRCh38, 1-based): chr19:7,551,108, G>A. VCF-style: chr19-7551108-G-A. GRCh37 (hg19) VCF-style: chr19-7615994-G-A.
Other names: c.2067+1G>A (NM_006702.5, NM_001166113.1); c.1989+1G>A (NM_001166112.2); c.2211+1G>A (NM_001166111.2).
Identifiers: ClinVar variation 2752482 (VCV002752482.3), dbSNP rs2512537311, ClinGen allele CA403124866.

ClinVar aggregate classification (germline): Likely pathogenic (1 of 4 stars; one submission).

Conditions:
Hereditary spastic paraplegia 39 (SPG39). Also called: SPASTIC PARAPLEGIA 39, AUTOSOMAL RECESSIVE; Spastic Paraplegia Type 39 (SPG39). Identifiers: Orphanet 139480, MedGen C2677586, MONDO:0012787, OMIM 612020.

Allele frequency attached by ClinVar (database versions not stated): gnomAD exomes below 0.00001.
gnomAD v4.1: 1 of 1,540,386 alleles (0.000065%); highest among the groups gnomAD compares: Non-Finnish European, 0.000088%; no homozygotes.

Submission:

Labcorp Genetics (formerly Invitae), Labcorp
Classification: Likely pathogenic for Hereditary spastic paraplegia 39. Last evaluated: 2024-03-04. Review status: criteria provided, single submitter. Criteria: Invitae Variant Classification Sherloc (09022015). Collection method: clinical testing. Allele origin: germline.
Comment: This sequence change affects a donor splice site in intron 20 of the PNPLA6 gene. It is expected to disrupt RNA splicing. Variants that disrupt the donor or acceptor splice site typically lead to a loss of protein function (PMID: 16199547), and loss-of-function variants in PNPLA6 are known to be pathogenic (PMID: 24355708). This variant is not present in population databases (gnomAD no frequency). This variant has not been reported in the literature in individuals affected with PNPLA6-related conditions. Algorithms developed to predict the effect of sequence changes on RNA splicing suggest that this variant may disrupt the consensus splice site. In summary, the currently available evidence indicates that the variant is pathogenic, but additional data are needed to prove that conclusively. Therefore, this variant has been classified as Likely Pathogenic.

Literature cited by the submitters: PubMed 16199547; PubMed 24355708.